The following is an entry in ClinVar:

ClinVar aggregate classification (germline): Uncertain significance (0 of 4 stars; one submission).

Conditions:
Hereditary factor XI deficiency disease. Also called: PLASMA THROMBOPLASTIN ANTECEDENT DEFICIENCY; PTA DEFICIENCY; ROSENTHAL SYNDROME; Congenital factor XI deficiency. Identifiers: Orphanet 329, MedGen C0015523, MeSH D005173, MONDO:0012897, OMIM 612416.

Submission:

ISTH-SSC Genomics in Thrombosis and Hemostasis, KU Leuven, Center for Molecular and Vascular Biology
Classification: Uncertain significance for Hereditary factor XI deficiency disease. Review status: no assertion criteria provided. Collection method: clinical testing. Allele origin: unknown. Affected: yes.
Comment: Submitted to GoldVariant by Bilal Jradeh from Katharine Dormandy Haemophilia and Thrombosis Centre, Royal Free Hospital, London, UK

NM_000128.3(F11):c.-153T>G

Gene: F11 (coagulation factor XI; plus strand). Cytogenetic location: 4q35.2.
Variant type: single nucleotide variant.
Coding change: c.-153T>G on transcript NM_000128.3; 153 bases upstream of the start codon, T replaced by G.
Genome position (GRCh38, 1-based): chr4:186,266,144, T>G. VCF-style: chr4-186266144-T-G. GRCh37 (hg19) VCF-style: chr4-187187298-T-G.
Identifiers: ClinVar variation 1684401 (VCV001684401.2), dbSNP rs2126696047, ClinGen allele CA2573138187.